The following is an entry in ClinVar:

ClinVar aggregate classification (germline): Benign (3 of 4 stars; one submission).

Conditions:
Lynch syndrome. Identifiers: Orphanet 144, MedGen C4552100, MONDO:0005835. Disease mechanism: loss of function.

Allele frequency attached by ClinVar (database versions not stated): 1000 Genomes Project 0.17812; 1000 Genomes Project 30x 0.18129; TOPMed 0.28238; gnomAD 0.29018.
gnomAD v4.1: 44,007 of 151,938 alleles (29%); highest among the groups gnomAD compares: Non-Finnish European, 36%; 6,954 homozygotes.

Submission:

International Society for Gastrointestinal Hereditary Tumours (InSiGHT)
Classification: Benign for Lynch Syndrome. Last evaluated: 2013-09-05. Review status: reviewed by expert panel. Criteria: Guidelines v1.9. Collection method: research. Allele origin: germline.
Comment: MAF >1%

Classified with v1.9 guidelines
ClinVar note: Converted during submission from no known pathogenicity to Benign.

NM_000179.3(MSH6):c.261-1170G>T

Gene: MSH6 (mutS homolog 6; plus strand). Cytogenetic location: 2p16.3.
Variant type: single nucleotide variant.
Coding change: c.261-1170G>T on transcript NM_000179.3 (MANE Select); 1170 bases into the intron before coding-DNA position 261, G replaced by T.
Molecular consequence: intron variant.
Genome position (GRCh38, 1-based): chr2:47,789,757, G>T. VCF-style: chr2-47789757-G-T. GRCh37 (hg19) VCF-style: chr2-48016896-G-T.
Other names: c.-476-1170G>T (NM_001281493.2); c.237+6287G>T (NM_001281492.2); c.-642-1170G>T (NM_001281494.2).
Identifiers: ClinVar variation 89300 (VCV000089300.3), dbSNP rs3136272, ClinGen allele CA010576.